The following is an entry in ClinVar:

NM_172107.4(KCNQ2):c.2089G>A (p.Gly697Ser)

Gene: KCNQ2 (potassium voltage-gated channel subfamily Q member 2; minus strand). Cytogenetic location: 20q13.33.
Variant type: single nucleotide variant.
Coding change: c.2089G>A on transcript NM_172107.4 (MANE Select); coding-DNA position 2089, G replaced by A.
Protein change: p.Gly697Ser; replaces glycine 697 with serine.
Molecular consequence: missense variant.
Genome position (GRCh38, 1-based): chr20:63,407,174, C>T on the plus strand (G>A on the coding strand, the complement: KCNQ2 is on the minus strand). VCF-style: chr20-63407174-C-T. GRCh37 (hg19) VCF-style: chr20-62038527-C-T.
Other names: c.2143G>A, p.Gly715Ser (NM_001382235.1); c.2005G>A, p.Gly669Ser (NM_004518.6); c.2035G>A, p.Gly679Ser (NM_172106.3); c.1996G>A, p.Gly666Ser (NM_172108.5); short protein forms G666S, G697S, G669S, G679S, G715S.
Identifiers: ClinVar variation 1514658 (VCV001514658.9), dbSNP rs1319597206, ClinGen allele CA409639019.

ClinVar aggregate classification (germline): Uncertain significance (1 of 4 stars; one submission).

Conditions:
Early-infantile DEE. Also called: Early infantile epileptic encephalopathy; Ohtahara syndrome; Early infantile epileptic encephalopathy with suppression bursts. Identifiers: Orphanet 1934, MedGen C0393706, MONDO:0800491.

Allele frequency attached by ClinVar (database versions not stated): gnomAD exomes below 0.00001; gnomAD 0.00001.
gnomAD v4.1: 2 of 1,603,580 alleles (0.00012%); highest among the groups gnomAD compares: Non-Finnish European, 0.00017%; no homozygotes.

Submission:

Labcorp Genetics (formerly Invitae), Labcorp
Classification: Uncertain significance for Early-infantile DEE. Last evaluated: 2024-05-10. Review status: criteria provided, single submitter. Criteria: Invitae Variant Classification Sherloc (09022015). Collection method: clinical testing. Allele origin: germline.
Comment: This sequence change replaces glycine, which is neutral and non-polar, with serine, which is neutral and polar, at codon 697 of the KCNQ2 protein (p.Gly697Ser). This variant is present in population databases (no rsID available, gnomAD 0.01%). This variant has not been reported in the literature in individuals affected with KCNQ2-related conditions. ClinVar contains an entry for this variant (Variation ID: 1514658). An algorithm developed to predict the effect of missense changes on protein structure and function (PolyPhen-2) suggests that this variant is likely to be disruptive. In summary, the available evidence is currently insufficient to determine the role of this variant in disease. Therefore, it has been classified as a Variant of Uncertain Significance.